The following is an entry in ClinVar:

NM_021098.3(CACNA1H):c.1966C>T (p.Pro656Ser)

Gene: CACNA1H (calcium voltage-gated channel subunit alpha1 H; plus strand). Cytogenetic location: 16p13.3.
Variant type: single nucleotide variant.
Coding change: c.1966C>T on transcript NM_021098.3 (MANE Select); coding-DNA position 1966, C replaced by T.
Protein change: p.Pro656Ser; replaces proline 656 with serine.
Molecular consequence: missense variant.
Genome position (GRCh38, 1-based): chr16:1,202,416, C>T. VCF-style: chr16-1202416-C-T. GRCh37 (hg19) VCF-style: chr16-1252416-C-T.
Other names: c.1966C>T, p.Pro656Ser (NM_001005407.2); short protein forms P656S.
Identifiers: ClinVar variation 460057 (VCV000460057.17), dbSNP rs59079584, ClinGen allele CA7800058.

ClinVar aggregate classification (germline): Benign. Review status: criteria provided, multiple submitters, no conflicts (2 of 4 stars). 4 submissions from 4 submitters: Benign (3). 1 of the submissions does not count toward it. Last evaluated 2026-01-22.

Conditions:
CACNA1H-related disorder.
Idiopathic generalized epilepsy. Also called: EIG; Generalised epilepsy. Identifiers: MedGen C0270850, MONDO:0005579, OMIM 600669.
Hyperaldosteronism, familial, type IV (HALD4). Also called: FH IV; ALDOSTERONISM, PRIMARY, AND HYPERTENSION. Identifiers: Orphanet 642671, MedGen C4310756, MONDO:0014875, OMIM 617027.

Allele frequency attached by ClinVar (database versions not stated): ESP Exome Variant Server 0.00333; 1000 Genomes Project 0.00619; TOPMed 0.00655; 1000 Genomes Project 30x 0.00718.
gnomAD v4.1: 1,969 of 1,523,146 alleles (0.13%); highest among the groups gnomAD compares: African/African-American, 2.1%; 21 homozygotes.

Submissions (4):

Labcorp Genetics (formerly Invitae), Labcorp
Classification: Benign for Idiopathic generalized epilepsy; Hyperaldosteronism, familial, type IV. Last evaluated: 2026-01-22. Review status: criteria provided, single submitter. Criteria: Invitae Variant Classification Sherloc (09022015). Collection method: clinical testing. Allele origin: germline.

Athena Diagnostics
Classification: Benign. Last evaluated: 2024-04-04. Review status: criteria provided, single submitter. Criteria: Athena Diagnostics Criteria. Collection method: clinical testing. Allele origin: unknown.

Breakthrough Genomics
Classification: Benign. Review status: criteria provided, single submitter. Criteria: ACMG Guidelines, 2015. Collection method: not provided. Allele origin: germline. Inheritance: Autosomal dominant inheritance. Affected: yes.

PreventionGenetics, part of Exact Sciences
Classification: Benign for CACNA1H-related condition. Last evaluated: 2019-04-17. Review status: no assertion criteria provided. Collection method: clinical testing. Allele origin: germline. Not counted in ClinVar's aggregate classification.
Comment: This variant is classified as benign based on ACMG/AMP sequence variant interpretation guidelines (Richards et al. 2015 PMID: 25741868, with internal and published modifications).